The following is an entry in ClinVar:

NM_001029883.3(PCARE):c.2291T>C (p.Met764Thr)

Gene: PCARE (photoreceptor cilium actin regulator; minus strand). Cytogenetic location: 2p23.2.
Variant type: single nucleotide variant.
Coding change: c.2291T>C on transcript NM_001029883.3 (MANE Select); coding-DNA position 2291, T replaced by C.
Protein change: p.Met764Thr; replaces methionine 764 with threonine.
Molecular consequence: missense variant.
Genome position (GRCh38, 1-based): chr2:29,071,971, A>G on the plus strand (T>C on the coding strand, the complement: PCARE is on the minus strand). VCF-style: chr2-29071971-A-G. GRCh37 (hg19) VCF-style: chr2-29294837-A-G.
Other names: short protein forms M764T.
Identifiers: ClinVar variation 1350799 (VCV001350799.8), dbSNP rs150881512, ClinGen allele CA1592241.
Genomic context (GRCh38, chr2:29,071,971, plus strand): 5'-GAAATTTGGGGCTTCGGATACAAAGGGGCAAGCCCTGTGTACTTGGGAAATCTGGGGGGC[A>G]TGATGCAATTCCTGAGGCAGGGACTTGCCCCAGCGTCCTTAGAGTCCCCCAGCATCCTCA-3'
Protein context (NP_001025054.1, residues 754-774): GASPCLRNCI[Met764Thr]PPRFPKYTGL

ClinVar aggregate classification (germline): Uncertain significance (1 of 4 stars; one submission).

Allele frequency attached by ClinVar (database versions not stated): gnomAD exomes below 0.00001; TOPMed below 0.00001; ExAC 0.00001; gnomAD 0.00001; 1000 Genomes Project 30x 0.00016; 1000 Genomes Project 0.00020.
gnomAD v4.1: 9 of 1,613,988 alleles (0.00056%); highest among the groups gnomAD compares: Non-Finnish European, 0.00059%; no homozygotes.

Submission:

Labcorp Genetics (formerly Invitae), Labcorp
Classification: Uncertain significance. Last evaluated: 2022-06-10. Review status: criteria provided, single submitter. Criteria: Invitae Variant Classification Sherloc (09022015). Collection method: clinical testing. Allele origin: germline.
Comment: This variant is present in population databases (rs150881512, gnomAD 0.0009%). This sequence change replaces methionine, which is neutral and non-polar, with threonine, which is neutral and polar, at codon 764 of the PCARE protein (p.Met764Thr). This variant has not been reported in the literature in individuals affected with PCARE-related conditions. In summary, the available evidence is currently insufficient to determine the role of this variant in disease. Therefore, it has been classified as a Variant of Uncertain Significance. Algorithms developed to predict the effect of missense changes on protein structure and function output the following: SIFT: "Deleterious"; PolyPhen-2: "Benign"; Align-GVGD: "Class C55". The threonine amino acid residue is found in multiple mammalian species, which suggests that this missense change does not adversely affect protein function.